The following is an entry in ClinVar:

ClinVar aggregate classification (germline): Likely benign. Review status: criteria provided, multiple submitters, no conflicts (2 of 4 stars). 2 submissions from 2 submitters: Likely benign (2). Last evaluated 2024-10-08.

Allele frequency attached by ClinVar (database versions not stated): gnomAD exomes 0.00001; ExAC 0.00002; TOPMed 0.00002.
gnomAD v4.1: 8 of 1,198,809 alleles (0.00067%); highest among the groups gnomAD compares: Middle Eastern, 0.023%; no homozygotes.

Submissions (2):

Labcorp Genetics (formerly Invitae), Labcorp
Classification: Likely benign. Last evaluated: 2024-10-08. Review status: criteria provided, single submitter. Criteria: Invitae Variant Classification Sherloc (09022015). Collection method: clinical testing. Allele origin: germline.

CeGaT Center for Human Genetics Tuebingen
Classification: Likely benign. Last evaluated: 2023-03-01. Review status: criteria provided, single submitter. Criteria: CeGaT Center For Human Genetics Tuebingen Variant Classification Criteria Version 2. Collection method: clinical testing. Allele origin: germline. Affected: yes. Observed: 1 variant allele.
Comment: TAF1: BP4, BP7

NM_004606.5(TAF1):c.5358C>T (p.Asp1786=)

Gene: TAF1 (TATA-box binding protein associated factor 1; plus strand). Cytogenetic location: Xq13.1.
Variant type: single nucleotide variant.
Coding change: c.5358C>T on transcript NM_004606.5 (MANE Select); coding-DNA position 5358, C replaced by T.
Protein change: p.Asp1786=; no amino-acid change (aspartic acid 1786 retained).
Molecular consequence: synonymous variant. On other transcripts: non-coding transcript variant (9).
Genome position (GRCh38, 1-based): chrX:71,460,762, C>T. VCF-style: chrX-71460762-C-T. GRCh37 (hg19) VCF-style: chrX-70680612-C-T.
Other names: c.5364C>T, p.Asp1788= (NM_001286074.2); c.5295C>T, p.Asp1765= (NM_138923.4).
Identifiers: ClinVar variation 2177920 (VCV002177920.28), dbSNP rs769031881, ClinGen allele CA10447384.